The following is an entry in ClinVar:

ClinVar aggregate classification (germline): Uncertain significance (1 of 4 stars; one submission).

Submission:

GeneDx
Classification: Uncertain significance. Last evaluated: 2025-07-29. Review status: criteria provided, single submitter. Criteria: GeneDx Variant Classification Process June 2021. Collection method: clinical testing. Allele origin: germline. Affected: yes.
Comment: Not observed at significant frequency in large population cohorts (gnomAD); In silico analysis supports that this missense variant has a deleterious effect on protein structure/function; Has not been previously published as pathogenic or benign to our knowledge

NM_001347721.2(DYRK1A):c.976G>A (p.Gly326Arg)

Gene: DYRK1A (dual specificity tyrosine phosphorylation regulated kinase 1A; plus strand). Cytogenetic location: 21q22.13.
Variant type: single nucleotide variant.
Coding change: c.976G>A on transcript NM_001347721.2 (MANE Select); coding-DNA position 976, G replaced by A.
Protein change: p.Gly326Arg; replaces glycine 326 with arginine.
Molecular consequence: missense variant.
Genome position (GRCh38, 1-based): chr21:37,493,068, G>A. VCF-style: chr21-37493068-G-A. GRCh37 (hg19) VCF-style: chr21-38865370-G-A.
Other names: c.976G>A, p.Gly326Arg (NM_001347722.2, NM_130436.2); c.889G>A, p.Gly297Arg (NM_001347723.2); c.1003G>A, p.Gly335Arg (NM_001396.5, NM_101395.2, NM_130438.2); short protein forms G297R, G326R, G335R.
Identifiers: ClinVar variation 4689939 (VCV004689939.1).